The following is an entry in ClinVar:

ClinVar aggregate classification (germline): Benign. Review status: criteria provided, multiple submitters, no conflicts (2 of 4 stars). 4 submissions from 4 submitters: Benign (4). Last evaluated 2026-01-23.

Conditions:
Posterior polymorphous corneal dystrophy. Also called: CORNEAL DYSTROPHY, HEREDITARY POLYMORPHOUS POSTERIOR; Polymorphous corneal dystrophy. Identifiers: Orphanet 98973, MedGen C0339284, MONDO:0020364, HP:0007915.

Allele frequency attached by ClinVar (database versions not stated): ExAC 0.00240; gnomAD exomes 0.00265; gnomAD 0.02032 and 0.02185; 1000 Genomes Project 0.02117; TOPMed 0.02241; 1000 Genomes Project 30x 0.02264.
gnomAD v4.1: 5,755 of 1,501,886 alleles (0.38%); highest among the groups gnomAD compares: African/African-American, 7.1%; 188 homozygotes.

Submissions (4):

Labcorp Genetics (formerly Invitae), Labcorp
Classification: Benign. Last evaluated: 2026-01-23. Review status: criteria provided, single submitter. Criteria: Invitae Variant Classification Sherloc (09022015). Collection method: clinical testing. Allele origin: germline.

GeneDx
Classification: Benign. Last evaluated: 2019-01-19. Review status: criteria provided, single submitter. Criteria: GeneDx Variant Classification Process June 2021. Collection method: clinical testing. Allele origin: germline. Affected: yes.
Comment: This variant is associated with the following publications: (PMID: 30090183, 17960127)

Illumina Laboratory Services, Illumina
Classification: Benign for Polymorphous corneal dystrophy. Last evaluated: 2018-01-13. Review status: criteria provided, single submitter. Criteria: ICSL Variant Classification Criteria 13 December 2019. Collection method: clinical testing. Allele origin: germline.
Comment: This variant was observed in the ICSL laboratory as part of a predisposition screen in an ostensibly healthy population. It had not been previously curated by ICSL or reported in the Human Gene Mutation Database (HGMD: prior to June 1st, 2018), and was therefore a candidate for classification through an automated scoring system. Utilizing variant allele frequency, disease prevalence and penetrance estimates, and inheritance mode, an automated score was calculated to assess if this variant is too frequent to cause the disease. Based on the score and internal cut-off values, a variant classified as benign is not then subjected to further curation. The score for this variant resulted in a classification of benign for this disease.

Breakthrough Genomics
Classification: Benign. Review status: criteria provided, single submitter. Criteria: ACMG Guidelines, 2015. Collection method: not provided. Allele origin: germline. Inheritance: Autosomal dominant inheritance. Affected: yes.

NM_014588.6(VSX1):c.315C>A (p.Asp105Glu)

Gene: VSX1 (visual system homeobox 1; minus strand). Cytogenetic location: 20p11.21.
Variant type: single nucleotide variant.
Coding change: c.315C>A on transcript NM_014588.6 (MANE Select); coding-DNA position 315, C replaced by A.
Protein change: p.Asp105Glu; replaces aspartic acid 105 with glutamic acid.
Molecular consequence: missense variant. On other transcripts: non-coding transcript variant (2).
Genome position (GRCh38, 1-based): chr20:25,081,782, G>T on the plus strand (C>A on the coding strand, the complement: VSX1 is on the minus strand). VCF-style: chr20-25081782-G-T. GRCh37 (hg19) VCF-style: chr20-25062418-G-T.
Other names: c.315C>A, p.Asp105Glu (NM_001256271.2, NM_001256272.2, NM_199425.3); short protein forms D105E.
Identifiers: ClinVar variation 337967 (VCV000337967.16), dbSNP rs6115023, ClinGen allele CA9793680.
Genomic context (GRCh38, chr20:25,081,782, plus strand): 5'-CGGACGGCTGGGAGCCAGCGGGGCAGCGGGCTCGGGGCCCCTGGGCGGCAGGAACGGCAC[G>T]TCCGCTAGGAGCAGGCAGGGTGCTCGAGCGGCCGCCGGCGGCTGCGTGCCGAAGCCACAG-3'
Protein context (NP_055403.2, residues 95-115): AARAPCLLLA[Asp105Glu]VPFLPPRGPE